The following is an entry in ClinVar:

ClinVar aggregate classification (germline): Uncertain significance (1 of 4 stars; one submission).

Conditions:
Hereditary cancer-predisposing syndrome. Also called: Hereditary neoplastic syndrome; Neoplastic Syndromes, Hereditary; Tumor predisposition; Hereditary Cancer Syndrome. Identifiers: Orphanet 140162, MedGen C0027672, MeSH D009386, MONDO:0015356.

Submission:

Ambry Genetics
Classification: Uncertain significance for Hereditary cancer-predisposing syndrome. Last evaluated: 2025-08-28. Review status: criteria provided, single submitter. Criteria: Ambry Variant Classification Scheme 2023. Collection method: clinical testing. Allele origin: germline.
Comment: The p.Q303H variant (also known as c.909A>T), located in coding exon 6 of the NTHL1 gene, results from an A to T substitution at nucleotide position 909. The glutamine at codon 303 is replaced by histidine, an amino acid with highly similar properties. This amino acid position is conserved. In addition, this alteration is predicted to be tolerated by in silico analysis. Based on the available evidence, the clinical significance of this variant remains unclear.

NM_002528.7(NTHL1):c.885A>T (p.Gln295His)

Gene: NTHL1 (nth like DNA glycosylase 1; minus strand). Cytogenetic location: 16p13.3.
Variant type: single nucleotide variant.
Coding change: c.885A>T on transcript NM_002528.7 (MANE Select); coding-DNA position 885, A replaced by T.
Protein change: p.Gln295His; replaces glutamine 295 with histidine.
Molecular consequence: missense variant.
Genome position (GRCh38, 1-based): chr16:2,039,954, T>A on the plus strand (A>T on the coding strand, the complement: NTHL1 is on the minus strand). VCF-style: chr16-2039954-T-A. GRCh37 (hg19) VCF-style: chr16-2089955-T-A.
Other names: c.714A>T, p.Gln238His (NM_001318193.2); c.555A>T, p.Gln185His (NM_001318194.2); short protein forms Q185H, Q238H, Q295H.
Identifiers: ClinVar variation 4123329 (VCV004123329.1).
Genomic context (GRCh38, chr16:2,039,954, plus strand): 5'-AGCGGCACCTCGGCCAGAGCCATGCGGCCATCAGAGACCCTGGGCGGCCGGGCAGAGGGC[T>A]TGGTTGAGGCAGGCGTGGCAGCGAGGGTGCACAGGCAGACAGGTCTGCTGGCCGAAGCCC-3'
Protein context (NP_002519.2, residues 285-304): VHPRCHACLN[Gln295His]ALCPAAQGL